The following is an entry in ClinVar:

ClinVar aggregate classification (germline): Uncertain significance (1 of 4 stars; one submission).

Conditions:
DNMT3A-related disorder. Also called: DNMT3A-related disorders; DNMT3A-related condition.

Submission:

PreventionGenetics, part of Exact Sciences
Classification: Uncertain significance for DNMT3A-related condition. Last evaluated: 2022-12-10. Review status: criteria provided, single submitter. Criteria: ACMG Guidelines, 2015. Collection method: clinical testing. Allele origin: germline.
Comment: The DNMT3A c.69T>A variant is predicted to result in the amino acid substitution p.Asp23Glu. To our knowledge, this variant has not been reported in the literature or in a large population database, indicating this variant is rare. At this time, the clinical significance of this variant is uncertain due to the absence of conclusive functional and genetic evidence.

NM_022552.5(DNMT3A):c.640-1408T>A

Gene: DNMT3A (DNA methyltransferase 3 alpha; minus strand). Cytogenetic location: 2p23.3.
Variant type: single nucleotide variant.
Coding change: c.640-1408T>A on transcript NM_022552.5 (MANE Select); 1408 bases into the intron before coding-DNA position 640, T replaced by A.
Molecular consequence: intron variant. On other transcripts: missense variant (1).
Genome position (GRCh38, 1-based): chr2:25,249,660, A>T on the plus strand (T>A on the coding strand, the complement: DNMT3A is on the minus strand). VCF-style: chr2-25249660-A-T. GRCh37 (hg19) VCF-style: chr2-25472529-A-T.
Other names: c.69T>A, p.Asp23Glu (NM_153759.3); c.640-1408T>A (NM_175629.2); c.184-1408T>A (NM_001320893.1); c.-30-1408T>A (NM_001375819.1); short protein forms D23E.
Identifiers: ClinVar variation 2629834 (VCV002629834.1), dbSNP rs2465598277, ClinGen allele CA346077455.